The following is an entry in ClinVar:

NM_000179.3(MSH6):c.2584C>A (p.Leu862Met)

Gene: MSH6 (mutS homolog 6; plus strand). Cytogenetic location: 2p16.3.
Variant type: single nucleotide variant.
Coding change: c.2584C>A on transcript NM_000179.3 (MANE Select); coding-DNA position 2584, C replaced by A.
Protein change: p.Leu862Met; replaces leucine 862 with methionine.
Molecular consequence: missense variant.
Genome position (GRCh38, 1-based): chr2:47,800,567, C>A. VCF-style: chr2-47800567-C-A. GRCh37 (hg19) VCF-style: chr2-48027706-C-A.
Other names: c.2194C>A, p.Leu732Met (NM_001281492.2); c.1678C>A, p.Leu560Met (NM_001281493.2, NM_001281494.2); short protein forms L560M, L732M, L862M.
Identifiers: ClinVar variation 821520 (VCV000821520.4), dbSNP rs1187393388, ClinGen allele CA346754804.

ClinVar aggregate classification (germline): Uncertain significance (1 of 4 stars; one submission).

Conditions:
Hereditary cancer-predisposing syndrome. Also called: Tumor predisposition; Hereditary Cancer Syndrome; Neoplastic Syndromes, Hereditary; Hereditary neoplastic syndrome. Identifiers: Orphanet 140162, MedGen C0027672, MeSH D009386, MONDO:0015356.

Submission:

Ambry Genetics
Classification: Uncertain significance for Hereditary cancer-predisposing syndrome. Last evaluated: 2018-05-17. Review status: criteria provided, single submitter. Criteria: Ambry Variant Classification Scheme 2023. Collection method: clinical testing. Allele origin: germline.
Comment: The p.L862M variant (also known as c.2584C>A), located in coding exon 4 of the MSH6 gene, results from a C to A substitution at nucleotide position 2584. The leucine at codon 862 is replaced by methionine, an amino acid with highly similar properties. This amino acid position is highly conserved in available vertebrate species. In addition, the in silico prediction for this alteration is inconclusive. In addition, the CoDP in silico tool predicts this alteration is likely to impair molecular function, with a score of 0.780 (Terui H et al. J. Biomed. Sci. 2013 Apr;20:25). Since supporting evidence is limited at this time, the clinical significance of this alteration remains unclear.